The following is an entry in ClinVar:

ClinVar aggregate classification (germline): Conflicting classifications of pathogenicity. Review status: criteria provided, conflicting classifications (1 of 4 stars). 6 submissions from 6 submitters: Uncertain significance (1); Likely benign (4). 1 of the submissions does not count toward it. Last evaluated 2025-11-03.

Conditions:
ELP1-related disorder. Also called: ELP1-related condition.
Medulloblastoma (MDB). Also called: Medulloblastoma, somatic; MEDULLOBLASTOMA PREDISPOSITION SYNDROME. Identifiers: Orphanet 616, MedGen C0025149, MeSH D008527, MONDO:0007959, OMIM 155255, HP:0002885.
Familial dysautonomia. Also called: FD; HSAN III. Identifiers: Orphanet 1764, MedGen C0013364, MONDO:0009131, OMIM 223900. Disease mechanism: loss of function.

Allele frequency attached by ClinVar (database versions not stated): ESP Exome Variant Server 0.00008; gnomAD 0.00008; TOPMed 0.00010; ExAC 0.00003; gnomAD exomes 0.00004 and 0.00007; 1000 Genomes Project 30x 0.00016; 1000 Genomes Project 0.00020.
gnomAD v4.1: 116 of 1,546,866 alleles (0.0075%); highest among the groups gnomAD compares: Non-Finnish European, 0.0096%; no homozygotes.

Submissions (6):

PreventionGenetics, part of Exact Sciences
Classification: Likely benign for ELP1-related condition. Last evaluated: 2025-11-03. Review status: criteria provided, single submitter. Criteria: ACMG Guidelines, 2015. Collection method: clinical testing. Allele origin: germline.
Comment: This variant is classified as likely benign based on ACMG/AMP sequence variant interpretation guidelines (Richards et al. 2015 PMID: 25741868, with internal and published modifications).

Labcorp Genetics (formerly Invitae), Labcorp
Classification: Likely benign. Last evaluated: 2025-08-29. Review status: criteria provided, single submitter. Criteria: Invitae Variant Classification Sherloc (09022015). Collection method: clinical testing. Allele origin: germline.

Fulgent Genetics
Classification: Uncertain significance for Medulloblastoma; Familial dysautonomia. Last evaluated: 2024-03-26. Review status: criteria provided, single submitter. Criteria: ACMG Guidelines, 2015. Collection method: clinical testing. Allele origin: germline.

ARUP Laboratories, Molecular Genetics and Genomics, ARUP Laboratories
Classification: Likely benign. Last evaluated: 2023-10-09. Review status: criteria provided, single submitter. Criteria: ARUP Molecular Germline Variant Investigation Process 2024. Collection method: clinical testing. Allele origin: germline.

GeneDx
Classification: Likely benign. Last evaluated: 2017-11-07. Review status: criteria provided, single submitter. Criteria: GeneDx Variant Classification (06012015). Collection method: clinical testing. Allele origin: germline. Affected: yes.
Comment: This variant is considered likely benign or benign based on one or more of the following criteria: it is a conservative change, it occurs at a poorly conserved position in the protein, it is predicted to be benign by multiple in silico algorithms, and/or has population frequency not consistent with disease.

Natera, Inc.
Classification: Uncertain significance for Hereditary sensory and autonomic neuropathy type III. Last evaluated: 2020-01-24. Review status: no assertion criteria provided. Collection method: clinical testing. Allele origin: germline. Not counted in ClinVar's aggregate classification.

NM_003640.5(ELP1):c.3346+7G>T

Gene: ELP1 (elongator acetyltransferase complex subunit 1; minus strand). Cytogenetic location: 9q31.3.
Variant type: single nucleotide variant.
Coding change: c.3346+7G>T on transcript NM_003640.5 (MANE Select); 7 bases into the intron after coding-DNA position 3346, G replaced by T.
Molecular consequence: intron variant.
Genome position (GRCh38, 1-based): chr9:108,881,698, C>A on the plus strand (G>T on the coding strand, the complement: ELP1 is on the minus strand). VCF-style: chr9-108881698-C-A. GRCh37 (hg19) VCF-style: chr9-111643978-C-A.
Other names: c.3004+7G>T (NM_001318360.2); c.2299+7G>T (NM_001330749.2); c.3346+7G>T (LRG_251t1, NM_003640.4).
Identifiers: ClinVar variation 382378 (VCV000382378.16), dbSNP rs144631706, ClinGen allele CA5174338.